The following is an entry in ClinVar:

ClinVar aggregate classification (germline): Uncertain significance. Review status: criteria provided, multiple submitters, no conflicts (2 of 4 stars). 2 submissions from 2 submitters: Uncertain significance (2). Last evaluated 2024-04-22.

Conditions:
Fanconi anemia (FA). Also called: Fanconi's anemia. Identifiers: Orphanet 84, MedGen C0015625, MeSH D005199, MONDO:0019391.

Allele frequency attached by ClinVar (database versions not stated): gnomAD exomes 0.00001 and 0.00003; gnomAD 0.00003 and 0.00005; ExAC 0.00004; TOPMed 0.00006; ESP Exome Variant Server 0.00008; 1000 Genomes Project 0.00060; 1000 Genomes Project 30x 0.00078.

Submissions (2):

Labcorp Genetics (formerly Invitae), Labcorp
Classification: Uncertain significance for Fanconi anemia. Last evaluated: 2024-04-22. Review status: criteria provided, single submitter. Criteria: Invitae Variant Classification Sherloc (09022015). Collection method: clinical testing. Allele origin: germline.
Comment: This sequence change replaces aspartic acid, which is acidic and polar, with asparagine, which is neutral and polar, at codon 338 of the FANCF protein (p.Asp338Asn). The frequency data for this variant in the population databases is considered unreliable, as metrics indicate poor data quality at this position in the gnomAD database. This variant has not been reported in the literature in individuals affected with FANCF-related conditions. ClinVar contains an entry for this variant (Variation ID: 1475306). Algorithms developed to predict the effect of missense changes on protein structure and function output the following: SIFT: "Not Available"; PolyPhen-2: "Benign"; Align-GVGD: "Not Available". The asparagine amino acid residue is found in multiple mammalian species, which suggests that this missense change does not adversely affect protein function. In summary, the available evidence is currently insufficient to determine the role of this variant in disease. Therefore, it has been classified as a Variant of Uncertain Significance.

Sema4
Classification: Uncertain significance for Fanconi anemia. Last evaluated: 2022-01-25. Review status: criteria provided, single submitter. Criteria: Sema4 Curation Guidelines. Collection method: curation. Allele origin: germline.
Comment: The FANCF c.1012G>A (p.D338N) variant has not been reported in the literature to our knowledge. It was observed in 9/24968 chromosomes of the African/African American subpopulation in the large and broad cohorts of the Genome Aggregation Database (PMID: 32461654). The variant has not been reported in ClinVar. In silico tools suggest the impact of the variant on protein function is benign, though these predictions have not been confirmed by functional studies. The evidence is insufficient to meet ACMG/AMP criteria for classifying the variant as benign or pathogenic. Thus, the clinical significance of this variant is currently uncertain.

NM_022725.4(FANCF):c.1012G>A (p.Asp338Asn)

Genes: FANCF (FA complementation group F; minus strand), LOC130005443 (ATAC-STARR-seq lymphoblastoid active region 4533; plus strand). Cytogenetic location: 11p14.3.
Variant type: single nucleotide variant.
Coding change: c.1012G>A on transcript NM_022725.4 (MANE Select); coding-DNA position 1012, G replaced by A.
Protein change: p.Asp338Asn; replaces aspartic acid 338 with asparagine.
Molecular consequence: missense variant.
Genome position (GRCh38, 1-based): chr11:22,624,799, C>T on the plus strand (G>A on the coding strand, the complement: FANCF is on the minus strand). VCF-style: chr11-22624799-C-T. GRCh37 (hg19) VCF-style: chr11-22646345-C-T.
Other names: short protein forms D338N.
Identifiers: ClinVar variation 1475306 (VCV001475306.7), dbSNP rs149687560, ClinGen allele CA5924210.